The following is an entry in ClinVar:

NM_001267550.2(TTN):c.103561G>C (p.Gly34521Arg)

Genes: TTN-AS1 (TTN antisense RNA 1; plus strand), TTN (titin; minus strand). Cytogenetic location: 2q31.2.
Variant type: single nucleotide variant.
Coding change: c.103561G>C on transcript NM_001267550.2 (MANE Select); coding-DNA position 103561, G replaced by C.
Protein change: p.Gly34521Arg; replaces glycine 34521 with arginine.
Molecular consequence: missense variant.
Genome position (GRCh38, 1-based): chr2:178,533,054, C>G on the plus strand (G>C on the coding strand, the complement: TTN is on the minus strand). VCF-style: chr2-178533054-C-G. GRCh37 (hg19) VCF-style: chr2-179397781-C-G.
Other names: c.98638G>C, p.Gly32880Arg (NM_001256850.1); c.76366G>C, p.Gly25456Arg (NM_003319.4); c.95857G>C, p.Gly31953Arg (NM_133378.4); c.76741G>C, p.Gly25581Arg (NM_133432.3); c.76942G>C, p.Gly25648Arg (NM_133437.4); short protein forms G25456R, G25581R, G31953R, G32880R, G34521R, G25648R.
Identifiers: ClinVar variation 4791394 (VCV004791394.1).
Genomic context (GRCh38, chr2:178,533,054, plus strand): 5'-CATAAGGCATCCGGAGTTTTCTCTCCTCCTTCTTTTCTTCTATCTCAAGTCTGAATTCCC[C>G]TTTTACAGTCTTGGTGCTTACAGCCGGTTTATAAAGGACAGCAGCTTCTCTCAGAGCCTC-3'
Protein context (NP_001254479.2, residues 34511-34531): KPAVSTKTVK[Gly34521Arg]EFRLEIEEKK

ClinVar aggregate classification (germline): Uncertain significance (1 of 4 stars; one submission).

Conditions:
Autosomal recessive limb-girdle muscular dystrophy type 2J (LGMDR10). Also called: Limb-girdle muscular dystrophy, type 2J; MUSCULAR DYSTROPHY, LIMB-GIRDLE, AUTOSOMAL RECESSIVE 10. Identifiers: Orphanet 140922, MedGen C1837342, MONDO:0012127, OMIM 608807.
Dilated cardiomyopathy 1G (CMD1G). Identifiers: Orphanet 154, MedGen C1858763, MONDO:0011400, OMIM 604145.

Submission:

Labcorp Genetics (formerly Invitae), Labcorp
Classification: Uncertain significance for Dilated cardiomyopathy 1G; Autosomal recessive limb-girdle muscular dystrophy type 2J. Last evaluated: 2025-10-24. Review status: criteria provided, single submitter. Criteria: Invitae Variant Classification Sherloc (09022015). Collection method: clinical testing. Allele origin: germline.
Comment: This sequence change replaces glycine, which is neutral and non-polar, with arginine, which is basic and polar, at codon 34521 of the TTN protein (p.Gly34521Arg). This variant is not present in population databases (gnomAD no frequency). This variant has not been reported in the literature in individuals affected with TTN-related conditions. Experimental studies and prediction algorithms are not available or were not evaluated, and the functional significance of this variant is currently unknown. This variant is located in the M band of TTN (PMID: 25589632). Non-truncating variants in this region may be relevant for neuromuscular disorders, but have not been definitively shown to cause cardiomyopathy (PMID: 23975875). In summary, the available evidence is currently insufficient to determine the role of this variant in disease. Therefore, it has been classified as a Variant of Uncertain Significance.

Literature cited by the submitters: PubMed 25589632; PubMed 23975875.